The following is an entry in ClinVar:

ClinVar aggregate classification (germline): Uncertain significance (1 of 4 stars; one submission).

Conditions:
MRAP2-related disorder. Also called: MRAP2-related condition.

Submission:

PreventionGenetics, part of Exact Sciences
Classification: Uncertain significance for MRAP2-related condition. Last evaluated: 2025-02-19. Review status: criteria provided, single submitter. Criteria: ACMG Guidelines, 2015. Collection method: clinical testing. Allele origin: germline.
Comment: The MRAP2 c.177dupT variant is predicted to result in a frameshift and premature protein termination (p.Met60Tyrfs*43). To our knowledge, this variant has not been reported in the literature or in a large population database (gnomAD), indicating this variant is rare. Although we suspect that this variant may be pathogenic, at this time, the clinical significance of this variant is uncertain due to the absence of conclusive functional and genetic evidence.

NM_138409.4(MRAP2):c.177dup (p.Met60fs)

Gene: MRAP2 (melanocortin 2 receptor accessory protein 2; plus strand). Cytogenetic location: 6q14.2.
Variant type: Duplication.
Coding change: c.177dup on transcript NM_138409.4 (MANE Select); coding-DNA position 177, one base duplicated (T; older notation c.177dupT).
Protein change: p.Met60fs; shifts the reading frame from methionine 60.
Molecular consequence: frameshift variant. On other transcripts: 5 prime UTR variant (1), intron variant (1).
Genome position (GRCh38, 1-based): chr6:84,062,942, T duplicated; the last of 5 consecutive T bases (chr6:84,062,938-84,062,942); duplicating any one gives the same sequence. VCF-style (leftmost placement, unchanged base first): chr6-84062937-A-AT. GRCh37 (hg19) VCF-style: chr6-84772656-A-AT.
Other names: c.177dup, p.Met60fs (NM_001346542.2, NM_001346544.2); c.-83dup (NM_001346543.2); c.-32+7497dup (NM_001346541.2); short protein forms M60fs.
Identifiers: ClinVar variation 4999118 (VCV004999118.1).